The following is an entry in ClinVar:

ClinVar aggregate classification (germline): Uncertain significance (1 of 4 stars; one submission).

Submission:

GeneDx
Classification: Uncertain significance. Last evaluated: 2025-01-29. Review status: criteria provided, single submitter. Criteria: GeneDx Variant Classification Process June 2021. Collection method: clinical testing. Allele origin: germline. Affected: yes.
Comment: Not observed at significant frequency in large population cohorts (gnomAD); In silico analysis supports that this missense variant does not alter protein structure/function; Has not been previously published as pathogenic or benign to our knowledge; Reported using an alternate transcript of the gene

NM_001379110.1(SLC9A6):c.323G>A (p.Ser108Asn)

Gene: SLC9A6 (solute carrier family 9 member A6; plus strand). Cytogenetic location: Xq26.3.
Variant type: single nucleotide variant.
Coding change: c.323G>A on transcript NM_001379110.1 (MANE Select); coding-DNA position 323, G replaced by A.
Protein change: p.Ser108Asn; replaces serine 108 with asparagine.
Molecular consequence: missense variant. On other transcripts: intron variant (3).
Genome position (GRCh38, 1-based): chrX:135,994,939, G>A. VCF-style: chrX-135994939-G-A. GRCh37 (hg19) VCF-style: chrX-135077098-G-A.
Other names: c.479G>A, p.Ser160Asn (NM_001042537.2); c.323G>A, p.Ser108Asn (NM_001177651.2, NM_001400909.1, NM_001400910.1 and 2 more transcripts); c.429+50G>A (NM_006359.3); c.273+50G>A (NM_001400913.1, NM_001330652.2); short protein forms S108N, S160N.
Identifiers: ClinVar variation 4072599 (VCV004072599.1).